The following is an entry in ClinVar:

ClinVar aggregate classification (germline): Conflicting classifications of pathogenicity. Review status: criteria provided, conflicting classifications (1 of 4 stars). 6 submissions from 6 submitters: Pathogenic (1); Likely pathogenic (3); Uncertain significance (2). Last evaluated 2025-11-15.

Conditions:
GNPTG-related disorder. Also called: GNPTG-related condition.
GNPTG-mucolipidosis. Also called: ML III GAMMA; ML IIIC; Mucolipidosis type III gamma; MUCOLIPIDOSIS III, COMPLEMENTATION GROUP C; MUCOLIPIDOSIS III, IRANIAN VARIANT FORM; MUCOLIPIDOSIS III, VARIANT FORM. Identifiers: Orphanet 423470, Orphanet 577, MedGen C1854896, MONDO:0009652, OMIM 252605.

Allele frequency attached by ClinVar (database versions not stated): ExAC 0.00005; gnomAD 0.00007 and 0.00008; gnomAD exomes 0.00007; TOPMed 0.00012.
gnomAD v4.1: 266 of 1,613,770 alleles (0.016%); highest among the groups gnomAD compares: Non-Finnish European, 0.022%; no homozygotes.

Submissions (6):

Labcorp Genetics (formerly Invitae), Labcorp
Classification: Pathogenic. Last evaluated: 2025-11-15. Review status: criteria provided, single submitter. Criteria: Invitae Variant Classification Sherloc (09022015). Collection method: clinical testing. Allele origin: germline.
Comment: This sequence change creates a premature translational stop signal (p.Ser253*) in the GNPTG gene. It is expected to result in an absent or disrupted protein product. Loss-of-function variants in GNPTG are known to be pathogenic (PMID: 19370764, 20301784). This variant is present in population databases (rs761299690, gnomAD 0.01%). This variant has not been reported in the literature in individuals affected with GNPTG-related conditions. ClinVar contains an entry for this variant (Variation ID: 666835). Algorithms developed to predict the effect of sequence changes on RNA splicing suggest that this variant may disrupt the consensus splice site. For these reasons, this variant has been classified as Pathogenic.

Natera, Inc.
Classification: Likely pathogenic for Mucolipidosis III gamma. Last evaluated: 2025-06-08. Review status: criteria provided, single submitter. Criteria: Natera Variant Classification Schema (03/2026). Collection method: clinical testing. Allele origin: germline.
Comment: The c.758C>A variant in GNPTG is a nonsense variant predicted to introduce a stop codon at amino acid 253. This variant is expected to result in nonsense mediated decay, truncation, or a dysfunctional protein product. This variant is rare in the general population with a frequency below the threshold expected for the associated phenotype(s). Given the available evidence, this variant is classified as Likely Pathogenic.

Fulgent Genetics
Classification: Likely pathogenic for GNPTG-mucolipidosis. Last evaluated: 2024-05-30. Review status: criteria provided, single submitter. Criteria: ACMG Guidelines, 2015. Collection method: clinical testing. Allele origin: germline.

Blueprint Genetics
Classification: Likely pathogenic for GNPTG-related disorders. Last evaluated: 2022-09-05. Review status: criteria provided, single submitter. Criteria: ACMG Guidelines, 2015. Collection method: clinical testing. Allele origin: germline. Affected: yes. Observed: 5 variant alleles.

Genome-Nilou Lab
Classification: Uncertain significance for GNPTG-mucolipidosis. Last evaluated: 2021-11-07. Review status: criteria provided, single submitter. Criteria: ACMG Guidelines, 2015. Collection method: clinical testing. Allele origin: germline. Affected: no.

Laboratory for Molecular Medicine, Mass General Brigham Personalized Medicine
Classification: Uncertain significance. Last evaluated: 2018-01-26. Review status: criteria provided, single submitter. Criteria: LMM Criteria. Collection method: clinical testing. Allele origin: germline. Observed: 1 variant allele.
Comment: Variant classified as Uncertain Significance - Favor Pathogenic. The p.Ser253X v ariant in GNPTG has not been previously reported in individuals with mucolipidos is III, but has been identified in 0.01% (17/126366) of European chromosomes by the Genome Aggregation Database (gnomAD; dbSN P rs761299690). Although this variant has been seen in the general population, i ts frequency is not high enough to rule out a pathogenic role. This nonsense var iant leads to a premature termination codon at position 253, which is predicted to lead to a truncated or absent protein. In summary, while there is some suspic ion for a pathogenic role, the clinical significance of this variant is uncertai n. ACMG/AMP criteria applied: PVS1.

Literature cited by the submitters: PubMed 19370764 (cited by Labcorp Genetics (formerly Invitae), Labcorp); PubMed 20301784 (cited by Labcorp Genetics (formerly Invitae), Labcorp).

NM_032520.5(GNPTG):c.758C>A (p.Ser253Ter)

Gene: GNPTG (N-acetylglucosamine-1-phosphate transferase subunit gamma; plus strand). Cytogenetic location: 16p13.3.
Variant type: single nucleotide variant.
Coding change: c.758C>A on transcript NM_032520.5 (MANE Select); coding-DNA position 758, C replaced by A.
Protein change: p.Ser253Ter; replaces serine 253 with a stop codon.
Molecular consequence: nonsense.
Genome position (GRCh38, 1-based): chr16:1,362,841, C>A. VCF-style: chr16-1362841-C-A. GRCh37 (hg19) VCF-style: chr16-1412842-C-A.
Other names: short protein forms S253*.
Identifiers: ClinVar variation 666835 (VCV000666835.17), dbSNP rs761299690, ClinGen allele CA7807940.